The following is an entry in ClinVar:

NM_022437.3(ABCG8):c.1087G>C (p.Ala363Pro)

Gene: ABCG8 (ATP binding cassette subfamily G member 8; plus strand). Cytogenetic location: 2p21.
Variant type: single nucleotide variant.
Coding change: c.1087G>C on transcript NM_022437.3 (MANE Select); coding-DNA position 1087, G replaced by C.
Protein change: p.Ala363Pro; replaces alanine 363 with proline.
Molecular consequence: missense variant.
Genome position (GRCh38, 1-based): chr2:43,872,098, G>C. VCF-style: chr2-43872098-G-C. GRCh37 (hg19) VCF-style: chr2-44099237-G-C.
Other names: c.1087G>C, p.Ala363Pro (NM_001357321.2); short protein forms A363P.
Identifiers: ClinVar variation 1788019 (VCV001788019.2), dbSNP rs770886402, ClinGen allele CA1637273.

ClinVar aggregate classification (germline): Uncertain significance (1 of 4 stars; one submission).

Conditions:
Cardiovascular phenotype. Identifiers: MedGen CN230736.

Allele frequency attached by ClinVar (database versions not stated): gnomAD 0.00001; ExAC 0.00004.
gnomAD v4.1: 23 of 1,614,032 alleles (0.0014%); highest among the groups gnomAD compares: Non-Finnish European, 0.0014%; no homozygotes.

Submission:

Ambry Genetics
Classification: Uncertain significance for Cardiovascular phenotype. Last evaluated: 2021-12-18. Review status: criteria provided, single submitter. Criteria: Ambry Variant Classification Scheme 2023. Collection method: clinical testing. Allele origin: germline.
Comment: The p.A363P variant (also known as c.1087G>C), located in coding exon 7 of the ABCG8 gene, results from a G to C substitution at nucleotide position 1087. The alanine at codon 363 is replaced by proline, an amino acid with highly similar properties. This amino acid position is conserved. In addition, this alteration is predicted to be tolerated by in silico analysis. Since supporting evidence is limited at this time, the clinical significance of this alteration remains unclear.